The following is an entry in ClinVar:

ClinVar aggregate classification (germline): Uncertain significance. Review status: criteria provided, multiple submitters, no conflicts (2 of 4 stars). 3 submissions from 3 submitters: Uncertain significance (3). Last evaluated 2023-10-26.

Conditions:
Cardiovascular phenotype. Identifiers: MedGen CN230736.
Catecholaminergic polymorphic ventricular tachycardia 1. Also called: RYR2-Related Catecholaminergic Polymorphic Ventricular Tachycardia; VENTRICULAR TACHYCARDIA, CATECHOLAMINERGIC POLYMORPHIC, 1, WITH OR WITHOUT ATRIAL DYSFUNCTION AND/OR DILATED CARDIOMYOPATHY; VENTRICULAR TACHYCARDIA, STRESS-INDUCED POLYMORPHIC 1. Identifiers: Orphanet 3286, MedGen C1631597, MONDO:0011484, OMIM 604772.

Submissions (3):

Ambry Genetics
Classification: Uncertain significance for Cardiovascular phenotype. Last evaluated: 2023-10-26. Review status: criteria provided, single submitter. Criteria: Ambry Variant Classification Scheme 2023. Collection method: clinical testing. Allele origin: germline.
Comment: The p.D3539G variant (also known as c.10616A>G), located in coding exon 74 of the RYR2 gene, results from an A to G substitution at nucleotide position 10616. The aspartic acid at codon 3539 is replaced by glycine, an amino acid with similar properties. This amino acid position is poorly conserved in available vertebrate species. In addition, the in silico prediction for this alteration is inconclusive. Since supporting evidence is limited at this time, the clinical significance of this alteration remains unclear.

GeneDx
Classification: Uncertain significance. Last evaluated: 2023-10-09. Review status: criteria provided, single submitter. Criteria: GeneDx Variant Classification Process June 2021. Collection method: clinical testing. Allele origin: germline. Affected: yes.
Comment: Not observed at significant frequency in large population cohorts (gnomAD); In silico analysis supports that this missense variant does not alter protein structure/function; Has not been previously published as pathogenic or benign to our knowledge; Not located in one of the three hot-spot regions of the RYR2 gene, where the majority of pathogenic missense variants occur (Medeiros-Domingo et al., 2009)

Labcorp Genetics (formerly Invitae), Labcorp
Classification: Uncertain significance for Catecholaminergic polymorphic ventricular tachycardia 1. Last evaluated: 2022-08-16. Review status: criteria provided, single submitter. Criteria: Invitae Variant Classification Sherloc (09022015). Collection method: clinical testing. Allele origin: germline.
Comment: In summary, the available evidence is currently insufficient to determine the role of this variant in disease. Therefore, it has been classified as a Variant of Uncertain Significance. Algorithms developed to predict the effect of sequence changes on RNA splicing suggest that this variant may create or strengthen a splice site. Advanced modeling of protein sequence and biophysical properties (such as structural, functional, and spatial information, amino acid conservation, physicochemical variation, residue mobility, and thermodynamic stability) performed at Invitae indicates that this missense variant is not expected to disrupt RYR2 protein function. ClinVar contains an entry for this variant (Variation ID: 936616). This variant has not been reported in the literature in individuals affected with RYR2-related conditions. This variant is not present in population databases (gnomAD no frequency). This sequence change replaces aspartic acid, which is acidic and polar, with glycine, which is neutral and non-polar, at codon 3539 of the RYR2 protein (p.Asp3539Gly).

NM_001035.3(RYR2):c.10616A>G (p.Asp3539Gly)

Gene: RYR2 (ryanodine receptor 2; plus strand). Cytogenetic location: 1q43.
Variant type: single nucleotide variant.
Coding change: c.10616A>G on transcript NM_001035.3 (MANE Select); coding-DNA position 10616, A replaced by G.
Protein change: p.Asp3539Gly; replaces aspartic acid 3539 with glycine.
Molecular consequence: missense variant.
Genome position (GRCh38, 1-based): chr1:237,723,189, A>G. VCF-style: chr1-237723189-A-G. GRCh37 (hg19) VCF-style: chr1-237886489-A-G.
Other names: short protein forms D3539G.
Identifiers: ClinVar variation 936616 (VCV000936616.13), dbSNP rs1689895717, ClinGen allele CA345416101.